The following is an entry in ClinVar:

NM_152564.5(VPS13B):c.3083-6A>C

Gene: VPS13B (vacuolar protein sorting 13 homolog B; plus strand). Cytogenetic location: 8q22.2.
Variant type: single nucleotide variant.
Coding change: c.3083-6A>C on transcript NM_152564.5 (MANE Select); 6 bases into the intron before coding-DNA position 3083, A replaced by C.
Molecular consequence: intron variant.
Genome position (GRCh38, 1-based): chr8:99,431,531, A>C. VCF-style: chr8-99431531-A-C. GRCh37 (hg19) VCF-style: chr8-100443759-A-C.
Other names: c.3083-6A>C (NM_017890.5).
Identifiers: ClinVar variation 2012719 (VCV002012719.4), dbSNP rs2490098853, ClinGen allele CA2580079116.

ClinVar aggregate classification (germline): Uncertain significance (1 of 4 stars; one submission).

Conditions:
Cohen syndrome (COH1). Also called: PEPPER SYNDROME; Cutis verticis gyrata, retinitis pigmentosa, and sensorineural deafness. Identifiers: Orphanet 193, MedGen C0265223, MONDO:0008999, OMIM 216550.

Submission:

Labcorp Genetics (formerly Invitae), Labcorp
Classification: Uncertain significance for Cohen syndrome. Last evaluated: 2022-07-14. Review status: criteria provided, single submitter. Criteria: Invitae Variant Classification Sherloc (09022015). Collection method: clinical testing. Allele origin: germline.
Comment: This variant has not been reported in the literature in individuals affected with VPS13B-related conditions. In summary, the available evidence is currently insufficient to determine the role of this variant in disease. Therefore, it has been classified as a Variant of Uncertain Significance. Algorithms developed to predict the effect of sequence changes on RNA splicing suggest that this variant may disrupt the consensus splice site. This variant is not present in population databases (gnomAD no frequency). This sequence change falls in intron 21 of the VPS13B gene. It does not directly change the encoded amino acid sequence of the VPS13B protein.